The following is an entry in ClinVar:

ClinVar aggregate classification (germline): Uncertain significance (1 of 4 stars; one submission).

Conditions:
Hereditary cancer-predisposing syndrome. Also called: Hereditary Cancer Syndrome; Neoplastic Syndromes, Hereditary; Tumor predisposition; Hereditary neoplastic syndrome. Identifiers: Orphanet 140162, MedGen C0027672, MeSH D009386, MONDO:0015356.

Submission:

Ambry Genetics
Classification: Uncertain significance for Hereditary cancer-predisposing syndrome. Last evaluated: 2026-08-23. Review status: criteria provided, single submitter. Criteria: Ambry Variant Classification Scheme 2023. Collection method: clinical testing. Allele origin: germline.
Comment: The p.D567N variant (also known as c.1699G>A), located in coding exon 9 of the DICER1 gene, results from a G to A substitution at nucleotide position 1699. The aspartic acid at codon 567 is replaced by asparagine, an amino acid with highly similar properties. This amino acid position is conserved. In addition, this alteration is predicted to be tolerated by in silico analysis. Based on the available evidence, the clinical significance of this variant remains unclear.

NM_177438.3(DICER1):c.1699G>A (p.Asp567Asn)

Gene: DICER1 (dicer 1, ribonuclease III; minus strand). Cytogenetic location: 14q32.13.
Variant type: single nucleotide variant.
Coding change: c.1699G>A on transcript NM_177438.3 (MANE Select); coding-DNA position 1699, G replaced by A.
Protein change: p.Asp567Asn; replaces aspartic acid 567 with asparagine.
Molecular consequence: missense variant. On other transcripts: non-coding transcript variant (6).
Genome position (GRCh38, 1-based): chr14:95,116,506, C>T on the plus strand (G>A on the coding strand, the complement: DICER1 is on the minus strand). VCF-style: chr14-95116506-C-T. GRCh37 (hg19) VCF-style: chr14-95582843-C-T.
Other names: c.1417G>A, p.Asp473Asn (NM_001395686.1); c.1294G>A, p.Asp432Asn (NM_001395687.1, NM_001395688.1, NM_001395689.1 and 3 more transcripts); c.1132G>A, p.Asp378Asn (NM_001395691.1); c.1699G>A, p.Asp567Asn (NM_001395692.1, NM_001395693.1, NM_001395694.1 and 12 more transcripts); c.16G>A, p.Asp6Asn (NM_001395697.1); short protein forms D378N, D432N, D567N, D473N, D6N.
Identifiers: ClinVar variation 5035322 (VCV005035322.1).
Genomic context (GRCh38, chr14:95,116,506, plus strand): 5'-ATCTTACCTTTTCAATAGCTTTGTAGGTTTTAAGGTCTTCTTCAAAACTTTTTATTTTGT[C>T]TGTATCCGCTAACATTATATAATTAGAGATGGGTGCCCTTGCTCTTCCTTTAGATTGAAC-3'
Protein context (NP_803187.1, residues 557-577): ISNYIMLADT[Asp567Asn]KIKSFEEDLK